The following is an entry in ClinVar:

NC_000022.10:g.(?_29083885)_(29095935_?)del

Gene: CHEK2 (checkpoint kinase 2; minus strand). Cytogenetic location: 22q12.1.
Variant type: Deletion.
Identifiers: ClinVar variation 1460423 (VCV001460423.8).

ClinVar aggregate classification (germline): Pathogenic (1 of 4 stars; one submission).

Conditions:
Familial cancer of breast. Also called: Hereditary breast cancer; hereditary breast carcinoma; BREAST CANCER, FAMILIAL. Identifiers: Orphanet 227535, MedGen C0346153, MONDO:0016419, OMIM 114480. Disease mechanism: loss of function.

Submission:

Labcorp Genetics (formerly Invitae), Labcorp
Classification: Pathogenic for Familial cancer of breast. Last evaluated: 2022-12-25. Review status: criteria provided, single submitter. Criteria: Invitae Variant Classification Sherloc (09022015). Collection method: clinical testing. Allele origin: germline.
Comment: For these reasons, this variant has been classified as Pathogenic. This variant disrupts a region of the CHEK2 protein in which other variant(s) (p.Arg519*) have been determined to be pathogenic (PMID: 25503501, 30287823, 30680046, 32761968). This suggests that this is a clinically significant region of the protein, and that variants that disrupt it are likely to be disease-causing. This variant disrupts the nuclear localization signal (NLS) of the CHEK2 protein, which is critical for proper nuclear localization (PMID: 18004398, 12909615). While functional studies have not been performed to directly test the effect of this variant on CHEK2 protein function, this suggests that disruption of this region of the protein is causative of disease. This variant has not been reported in the literature in individuals affected with CHEK2-related conditions. This variant is a gross deletion of the genomic region encompassing exon(s) 9-15 of the CHEK2 gene, which includes the termination codon. This deletion extends beyond the assayed region for this gene and therefore may encompass additional genes. While this deletion is not anticipated to lead to nonsense mediated decay, it is expected to alter mRNA translation or result in a truncated protein product.

Literature cited by the submitters: PubMed 25503501; PubMed 30287823; PubMed 30680046; PubMed 32761968; PubMed 18004398; PubMed 12909615.